The following is an entry in ClinVar:

NM_000327.4(ROM1):c.180dup (p.Val61fs)

Gene: ROM1 (retinal outer segment membrane protein 1; plus strand). Cytogenetic location: 11q12.3.
Variant type: Duplication.
Coding change: c.180dup on transcript NM_000327.4 (MANE Select); coding-DNA position 180, one base duplicated (T; older notation c.180dupT).
Protein change: p.Val61fs; shifts the reading frame from valine 61.
Molecular consequence: frameshift variant.
Genome position (GRCh38, 1-based): chr11:62,613,461, T duplicated. VCF-style (leftmost placement, unchanged base first): chr11-62613460-C-CT. GRCh37 (hg19) VCF-style: chr11-62380932-C-CT.
Other names: short protein forms V61fs.
Identifiers: ClinVar variation 632164 (VCV000632164.12), dbSNP rs748976215, ClinGen allele CA6049664.

ClinVar aggregate classification (germline): Uncertain significance. Review status: criteria provided, multiple submitters, no conflicts (2 of 4 stars). 2 submissions from 2 submitters: Uncertain significance (2). Last evaluated 2025-12-03.

Allele frequency attached by ClinVar (database versions not stated): gnomAD 0.00003; ExAC 0.00004; gnomAD exomes 0.00004 and 0.00008; TOPMed 0.00012.

Submissions (2):

Labcorp Genetics (formerly Invitae), Labcorp
Classification: Uncertain significance. Last evaluated: 2025-12-03. Review status: criteria provided, single submitter. Criteria: Invitae Variant Classification Sherloc (09022015). Collection method: clinical testing. Allele origin: germline.
Comment: This sequence change creates a premature translational stop signal (p.Val61Cysfs*71) in the ROM1 gene. It is expected to result in an absent or disrupted protein product. However, the current clinical and genetic evidence is not sufficient to establish whether loss-of-function variants in ROM1 cause disease. This variant is present in population databases (rs748976215, gnomAD 0.06%), and has an allele count higher than expected for a pathogenic variant. This premature translational stop signal has been observed in individual(s) with ROM1-related conditions (PMID: 35353811). ClinVar contains an entry for this variant (Variation ID: 632164). In summary, the available evidence is currently insufficient to determine the role of this variant in disease. Therefore, it has been classified as a Variant of Uncertain Significance.

Blueprint Genetics
Classification: Uncertain significance. Last evaluated: 2023-05-29. Review status: criteria provided, single submitter. Criteria: ACMG Guidelines, 2015. Collection method: clinical testing. Allele origin: germline.

Literature cited by the submitters: PubMed 35353811 (cited by Labcorp Genetics (formerly Invitae), Labcorp).